The following is an entry in ClinVar:

ClinVar aggregate classification (germline): Uncertain significance (1 of 4 stars; one submission).

Conditions:
Juvenile polyposis syndrome (JPS). Identifiers: Orphanet 2929, MedGen C0345893, MONDO:0017380, OMIM 174900.

Submission:

Labcorp Genetics (formerly Invitae), Labcorp
Classification: Uncertain significance for Juvenile polyposis syndrome. Last evaluated: 2024-03-11. Review status: criteria provided, single submitter. Criteria: Invitae Variant Classification Sherloc (09022015). Collection method: clinical testing. Allele origin: germline.
Comment: This sequence change replaces histidine, which is basic and polar, with proline, which is neutral and non-polar, at codon 21 of the SMAD4 protein (p.His21Pro). This variant is not present in population databases (gnomAD no frequency). This variant has not been reported in the literature in individuals affected with SMAD4-related conditions. Advanced modeling of protein sequence and biophysical properties (such as structural, functional, and spatial information, amino acid conservation, physicochemical variation, residue mobility, and thermodynamic stability) has been performed at Invitae for this missense variant, however the output from this modeling did not meet the statistical confidence thresholds required to predict the impact of this variant on SMAD4 protein function. In summary, the available evidence is currently insufficient to determine the role of this variant in disease. Therefore, it has been classified as a Variant of Uncertain Significance.

NM_005359.6(SMAD4):c.62A>C (p.His21Pro)

Gene: SMAD4 (SMAD family member 4; plus strand). Cytogenetic location: 18q21.2.
Variant type: single nucleotide variant.
Coding change: c.62A>C on transcript NM_005359.6 (MANE Select); coding-DNA position 62, A replaced by C.
Protein change: p.His21Pro; replaces histidine 21 with proline.
Molecular consequence: missense variant. On other transcripts: non-coding transcript variant (2).
Genome position (GRCh38, 1-based): chr18:51,047,108, A>C. VCF-style: chr18-51047108-A-C. GRCh37 (hg19) VCF-style: chr18-48573478-A-C.
Other names: c.62A>C, p.His21Pro (NM_001407041.1, NM_001407042.1, NM_001407043.1); short protein forms H21P.
Identifiers: ClinVar variation 3637558 (VCV003637558.2).